The following is an entry in ClinVar:

ClinVar aggregate classification (germline): Uncertain significance (1 of 4 stars; one submission).

Submission:

Labcorp Genetics (formerly Invitae), Labcorp
Classification: Uncertain significance. Last evaluated: 2024-02-24. Review status: criteria provided, single submitter. Criteria: Invitae Variant Classification Sherloc (09022015). Collection method: clinical testing. Allele origin: germline.
Comment: This sequence change replaces serine, which is neutral and polar, with asparagine, which is neutral and polar, at codon 110 of the ALPL protein (p.Ser110Asn). This variant is not present in population databases (gnomAD no frequency). This variant has not been reported in the literature in individuals affected with ALPL-related conditions. ClinVar contains an entry for this variant (Variation ID: 1809680). Experimental studies and prediction algorithms are not available or were not evaluated, and the functional significance of this variant is currently unknown. In summary, the available evidence is currently insufficient to determine the role of this variant in disease. Therefore, it has been classified as a Variant of Uncertain Significance.

NM_000478.6(ALPL):c.329_330inv (p.Ser110Asn)

Gene: ALPL (alkaline phosphatase, biomineralization associated; plus strand). Cytogenetic location: 1p36.12.
Variant type: Inversion.
Coding change: c.329_330inv on transcript NM_000478.6 (MANE Select).
Protein change: p.Ser110Asn; replaces serine 110 with asparagine.
Molecular consequence: missense variant.
Genome position: GRCh38 VCF-style: chr1-21563141-GT-AC. GRCh37 (hg19) VCF-style: chr1-21889634-GT-AC.
Other names: c.164_165inv, p.Ser55Asn (NM_001127501.4); c.98_99inv, p.Ser33Asn (NM_001177520.3); c.329_330inv, p.Ser110Asn (NM_001369803.2, NM_001369804.2, NM_001369805.2); short protein forms S33N, S110N, S55N.
Identifiers: ClinVar variation 1423276 (VCV001423276.5), ClinGen allele CA2573130833.
Genomic context (GRCh38, chr1:21,563,141, plus strand): 5'-ATCTCCTGACCCTCCTCTCCCACCTGCAGACGTACAACACCAATGCCCAGGTCCCTGACA[GT>AC]GCCGGCACCGCCACCGCCTACCTGTGTGGGGTGAAGGCCAATGAGGGCACCGTGGGGGTA-3'
Protein context (NP_000469.3, residues 100-120): TYNTNAQVPD[Ser110Asn]AGTATAYLCG